The following is an entry in ClinVar:

NR_173244.1(SLC35E2A):n.1133T>C

Gene: SLC35E2A (solute carrier family 35 member E2A; minus strand). Cytogenetic location: 1p36.33.
Variant type: single nucleotide variant.
Molecular consequence: non-coding transcript variant (on NR_173244.1).
Genome position: GRCh38 VCF-style: chr1-1734783-A-G. GRCh37 (hg19) VCF-style: chr1-1666222-A-G.
Identifiers: ClinVar variation 2638059 (VCV002638059.24), dbSNP rs2524492644, ClinGen allele CA415423407.

ClinVar aggregate classification (germline): Likely benign (1 of 4 stars; one submission).

Allele frequency attached by ClinVar (database versions not stated): gnomAD exomes below 0.00001.

Submission:

CeGaT Center for Human Genetics Tuebingen
Classification: Likely benign. Last evaluated: 2022-10-01. Review status: criteria provided, single submitter. Criteria: CeGaT Center For Human Genetics Tuebingen Variant Classification Criteria Version 2. Collection method: clinical testing. Allele origin: germline. Affected: yes. Observed: 1 variant allele.
Comment: SLC35E2A: PM2:Supporting, BP4, BP7